The following is an entry in ClinVar:

NM_002180.3(IGHMBP2):c.2530G>A (p.Ala844Thr)

Gene: IGHMBP2 (immunoglobulin mu DNA binding protein 2; plus strand). Cytogenetic location: 11q13.3.
Variant type: single nucleotide variant.
Coding change: c.2530G>A on transcript NM_002180.3 (MANE Select); coding-DNA position 2530, G replaced by A.
Protein change: p.Ala844Thr; replaces alanine 844 with threonine.
Molecular consequence: missense variant.
Genome position (GRCh38, 1-based): chr11:68,937,010, G>A. VCF-style: chr11-68937010-G-A. GRCh37 (hg19) VCF-style: chr11-68704478-G-A.
Other names: short protein forms A844T.
Identifiers: ClinVar variation 3763972 (VCV003763972.2).

ClinVar aggregate classification (germline): Uncertain significance (1 of 4 stars; one submission).

Conditions:
Autosomal recessive distal spinal muscular atrophy 1. Also called: NEURONOPATHY, DISTAL HEREDITARY MOTOR, HARDING TYPE VI; NEUROPATHY, DISTAL HEREDITARY MOTOR, AUTOSOMAL RECESSIVE 1; SEVERE INFANTILE AXONAL NEUROPATHY WITH RESPIRATORY FAILURE; SPINAL MUSCULAR ATROPHY, DIAPHRAGMATIC; Spinal muscular atrophy with respiratory distress 1; HMN VI. Identifiers: Orphanet 98920, MedGen C1858517, MONDO:0011436, OMIM 604320.
Charcot-Marie-Tooth disease axonal type 2S. Also called: CHARCOT-MARIE-TOOTH DISEASE, AXONAL, AUTOSOMAL RECESSIVE, TYPE 2S; CHARCOT-MARIE-TOOTH NEUROPATHY, TYPE 2S. Identifiers: Orphanet 443073, MedGen C4015349, MONDO:0014511, OMIM 616155.

gnomAD v4.1: 18 of 1,608,826 alleles (0.0011%); highest among the groups gnomAD compares: East Asian, 0.0022%; no homozygotes.

Submission:

Labcorp Genetics (formerly Invitae), Labcorp
Classification: Uncertain significance for Autosomal recessive distal spinal muscular atrophy 1; Charcot-Marie-Tooth disease axonal type 2S. Last evaluated: 2025-06-25. Review status: criteria provided, single submitter. Criteria: Invitae Variant Classification Sherloc (09022015). Collection method: clinical testing. Allele origin: germline.
Comment: This sequence change replaces alanine, which is neutral and non-polar, with threonine, which is neutral and polar, at codon 844 of the IGHMBP2 protein (p.Ala844Thr). This variant is present in population databases (rs758538482, gnomAD 0.001%). This variant has not been reported in the literature in individuals affected with IGHMBP2-related conditions. ClinVar contains an entry for this variant (Variation ID: 3763972). Invitae Evidence Modeling of protein sequence and biophysical properties (such as structural, functional, and spatial information, amino acid conservation, physicochemical variation, residue mobility, and thermodynamic stability) indicates that this missense variant is not expected to disrupt IGHMBP2 protein function with a negative predictive value of 95%. In summary, the available evidence is currently insufficient to determine the role of this variant in disease. Therefore, it has been classified as a Variant of Uncertain Significance.